The following is an entry in ClinVar:

ClinVar aggregate classification (germline): Likely benign. Review status: criteria provided, single submitter (1 of 4 stars). 2 submissions from 2 submitters: Likely benign (1). 1 of the submissions does not count toward it. Last evaluated 2025-07-22.

Conditions:
LCT-related disorder. Also called: LCT-related condition.

Allele frequency attached by ClinVar (database versions not stated): gnomAD exomes below 0.00001; TOPMed 0.00003; gnomAD 0.00001.
gnomAD v4.1: 2 of 1,613,960 alleles (0.00012%); highest among the groups gnomAD compares: African/African-American, 0.0027%; no homozygotes.

Submissions (2):

Labcorp Genetics (formerly Invitae), Labcorp
Classification: Likely benign. Last evaluated: 2025-07-22. Review status: criteria provided, single submitter. Criteria: Invitae Variant Classification Sherloc (09022015). Collection method: clinical testing. Allele origin: germline.

PreventionGenetics, part of Exact Sciences
Classification: Likely benign for LCT-related condition. Last evaluated: 2024-02-14. Review status: no assertion criteria provided. Collection method: clinical testing. Allele origin: germline. Not counted in ClinVar's aggregate classification.
Comment: This variant is classified as likely benign based on ACMG/AMP sequence variant interpretation guidelines (Richards et al. 2015 PMID: 25741868, with internal and published modifications).

NM_002299.4(LCT):c.1683T>G (p.Ser561=)

Gene: LCT (lactase; minus strand). Cytogenetic location: 2q21.3.
Variant type: single nucleotide variant.
Coding change: c.1683T>G on transcript NM_002299.4 (MANE Select); coding-DNA position 1683, T replaced by G.
Protein change: p.Ser561=; no amino-acid change (serine 561 retained).
Molecular consequence: synonymous variant.
Genome position (GRCh38, 1-based): chr2:135,817,365, A>C on the plus strand (T>G on the coding strand, the complement: LCT is on the minus strand). VCF-style: chr2-135817365-A-C. GRCh37 (hg19) VCF-style: chr2-136574935-A-C.
Other names: c.1683T>G (NM_002299.3).
Identifiers: ClinVar variation 2998152 (VCV002998152.5), dbSNP rs1379759928, ClinGen allele CA429204481.